The following is an entry in ClinVar:

ClinVar aggregate classification (germline): Uncertain significance. Review status: criteria provided, multiple submitters, no conflicts (2 of 4 stars). 2 submissions from 2 submitters: Uncertain significance (2). Last evaluated 2021-09-01.

Conditions:
Hereditary cancer-predisposing syndrome. Also called: Neoplastic Syndromes, Hereditary; Tumor predisposition; Hereditary Cancer Syndrome; Hereditary neoplastic syndrome. Identifiers: Orphanet 140162, MedGen C0027672, MeSH D009386, MONDO:0015356.
Gastrointestinal stromal tumor. Also called: Gastrointestinal stromal tumor, somatic; Gastrointestinal stroma tumor. Identifiers: Orphanet 44890, MedGen C0238198, MeSH D046152, MONDO:0011719, OMIM 606764, HP:0100723.

gnomAD v4.1: 2 of 1,613,924 alleles (0.00012%); highest among the groups gnomAD compares: Non-Finnish European, 0.00017%; no homozygotes.

Submissions (2):

Labcorp Genetics (formerly Invitae), Labcorp
Classification: Uncertain significance for Gastrointestinal stromal tumor. Last evaluated: 2021-09-01. Review status: criteria provided, single submitter. Criteria: Invitae Variant Classification Sherloc (09022015). Collection method: clinical testing. Allele origin: germline.
Comment: This sequence change replaces tyrosine with phenylalanine at codon 243 of the KIT protein (p.Tyr243Phe). The tyrosine residue is weakly conserved and there is a small physicochemical difference between tyrosine and phenylalanine. This variant is not present in population databases (ExAC no frequency). This variant has not been reported in the literature in individuals affected with KIT-related conditions. Algorithms developed to predict the effect of missense changes on protein structure and function (SIFT, PolyPhen-2, Align-GVGD) all suggest that this variant is likely to be tolerated. In summary, the available evidence is currently insufficient to determine the role of this variant in disease. Therefore, it has been classified as a Variant of Uncertain Significance.

Ambry Genetics
Classification: Uncertain significance for Hereditary cancer-predisposing syndrome. Last evaluated: 2019-04-16. Review status: criteria provided, single submitter. Criteria: Ambry Variant Classification Scheme 2023. Collection method: clinical testing. Allele origin: germline.
Comment: The p.Y243F variant (also known as c.728A>T), located in coding exon 4 of the KIT gene, results from an A to T substitution at nucleotide position 728. The tyrosine at codon 243 is replaced by phenylalanine, an amino acid with highly similar properties. This amino acid position is poorly conserved in available vertebrate species. In addition, this alteration is predicted to be tolerated by in silico analysis. Since supporting evidence is limited at this time, the clinical significance of this alteration remains unclear.

NM_000222.3(KIT):c.728A>T (p.Tyr243Phe)

Gene: KIT (KIT proto-oncogene, receptor tyrosine kinase; plus strand). Cytogenetic location: 4q12.
Variant type: single nucleotide variant.
Coding change: c.728A>T on transcript NM_000222.3 (MANE Select); coding-DNA position 728, A replaced by T.
Protein change: p.Tyr243Phe; replaces tyrosine 243 with phenylalanine.
Molecular consequence: missense variant.
Genome position (GRCh38, 1-based): chr4:54,699,738, A>T. VCF-style: chr4-54699738-A-T. GRCh37 (hg19) VCF-style: chr4-55565904-A-T.
Other names: c.728A>T, p.Tyr243Phe (NM_001093772.2, NM_001385284.1, NM_001385285.1 and 4 more transcripts); short protein forms Y243F.
Identifiers: ClinVar variation 647170 (VCV000647170.10), dbSNP rs1577958787, ClinGen allele CA356898561.